The following is an entry in ClinVar:

NM_007327.4(GRIN1):c.1930G>A (p.Val644Met)

Gene: GRIN1 (glutamate ionotropic receptor NMDA type subunit 1; plus strand). Cytogenetic location: 9q34.3.
Variant type: single nucleotide variant.
Coding change: c.1930G>A on transcript NM_007327.4 (MANE Select); coding-DNA position 1930, G replaced by A.
Protein change: p.Val644Met; replaces valine 644 with methionine.
Molecular consequence: missense variant.
Genome position (GRCh38, 1-based): chr9:137,162,656, G>A. VCF-style: chr9-137162656-G-A. GRCh37 (hg19) VCF-style: chr9-140057108-G-A.
Other names: c.1930G>A, p.Val644Met (NM_000832.7, NM_021569.4); c.1993G>A, p.Val665Met (NM_001185090.2, NM_001185091.2); short protein forms V644M, V665M.
Identifiers: ClinVar variation 451906 (VCV000451906.2), dbSNP rs1554770248, ClinGen allele CA375720717.

ClinVar aggregate classification (germline): Pathogenic (1 of 4 stars; one submission).

Submission:

GeneDx
Classification: Pathogenic. Last evaluated: 2017-09-13. Review status: criteria provided, single submitter. Criteria: GeneDx Variant Classification (06012015). Collection method: clinical testing. Allele origin: germline. Affected: yes.
Comment: The V644M variant in the GRIN1 gene has not been reported previously as a pathogenic variant nor as a benign variant, to our knowledge. The V644M variant is not observed in large population cohorts (Lek et al., 2016; 1000 Genomes Consortium et al., 2015; Exome Variant Server). The V644M variant is a conservative amino acid substitution, which is not likely to impact secondary protein structure as these residues share similar properties. This substitution occurs at a position where amino acids with similar properties to Valine are tolerated across species. In silico analysis is inconsistent in its predictions as to whether or not the variant is damaging to the protein structure/function. Missense variants in nearby residues (M641I and Y647S) have been reported in the Human Gene Mutation Database in association with GRIN1-related disorders (Stenson et al., 2014), supporting the functional importance of this region of the protein. In addition, the majority of missense variants in this gene are considered pathogenic (Stenson et al., 2014). We interpret V644M as a pathogenic variant.